The following is an entry in ClinVar:

ClinVar aggregate classification (germline): Benign (1 of 4 stars; one submission).

Conditions:
Lynch syndrome 4 (LYNCH4). Also called: Colorectal cancer, hereditary nonpolyposis, type 4; Hereditary non-polyposis colorectal cancer, type 4. Identifiers: Orphanet 144, MedGen C1838333, MONDO:0013699, OMIM 614337. Disease mechanism: loss of function.

Submission:

Myriad Genetics, Inc.
Classification: Benign for Lynch syndrome 4. Last evaluated: 2025-01-23. Review status: criteria provided, single submitter. Criteria: Myriad Autosomal Dominant, Autosomal Recessive and X-Linked Classification Criteria (2023). Collection method: clinical testing. Allele origin: unknown.
Comment: This variant is considered benign. This variant is a silent/synonymous amino acid change and it is not expected to impact splicing.

NM_000535.7(PMS2):c.114G>C (p.Ala38=)

Gene: PMS2 (PMS1 homolog 2, mismatch repair system component; minus strand). Cytogenetic location: 7p22.1.
Variant type: single nucleotide variant.
Coding change: c.114G>C on transcript NM_000535.7 (MANE Select); coding-DNA position 114, G replaced by C.
Protein change: p.Ala38=; no amino-acid change (alanine 38 retained).
Molecular consequence: synonymous variant. On other transcripts: 5 prime UTR variant (38), non-coding transcript variant (1), intron variant (7).
Genome position (GRCh38, 1-based): chr7:6,005,941, C>G on the plus strand (G>C on the coding strand, the complement: PMS2 is on the minus strand). VCF-style: chr7-6005941-C-G. GRCh37 (hg19) VCF-style: chr7-6045572-C-G.
Other names: c.-292G>C (NM_001322003.2, NM_001322005.2, NM_001322009.2 and 10 more transcripts); c.114G>C, p.Ala38= (NM_001322006.2, NM_001322014.2, NM_001406868.1 and 10 more transcripts); c.-102G>C (NM_001322007.2, NM_001406876.1, NM_001406883.1 and 4 more transcripts); c.-771G>C (NM_001322011.2, NM_001322012.2); c.-371G>C (NM_001322015.2, NM_001406875.1, NM_001406877.1 and 2 more transcripts); c.300G>C, p.Ala100= (NM_001406866.1); c.-318G>C (NM_001406880.1); c.-239G>C (NM_001406888.1, NM_001406889.1, NM_001406892.1 and 5 more transcripts); and 7 more.
Identifiers: ClinVar variation 3904329 (VCV003904329.1).